The following is an entry in ClinVar:

NM_001110219.3(GJB6):c.569T>G (p.Val190Gly)

Gene: GJB6 (gap junction protein beta 6; minus strand). Cytogenetic location: 13q12.11.
Variant type: single nucleotide variant.
Coding change: c.569T>G on transcript NM_001110219.3 (MANE Select); coding-DNA position 569, T replaced by G.
Protein change: p.Val190Gly; replaces valine 190 with glycine.
Molecular consequence: missense variant.
Genome position (GRCh38, 1-based): chr13:20,222,912, A>C on the plus strand (T>G on the coding strand, the complement: GJB6 is on the minus strand). VCF-style: chr13-20222912-A-C. GRCh37 (hg19) VCF-style: chr13-20797051-A-C.
Other names: c.569T>G, p.Val190Gly (NM_001110220.3, NM_001110221.3, NM_001370090.1 and 3 more transcripts); short protein forms V190G.
Identifiers: ClinVar variation 3756013 (VCV003756013.2).

ClinVar aggregate classification (germline): Uncertain significance (1 of 4 stars; one submission).

Conditions:
Autosomal dominant nonsyndromic hearing loss 3B. Identifiers: Orphanet 90635, MedGen C2675237, MONDO:0012975, OMIM 612643.
Autosomal recessive nonsyndromic hearing loss 1B. Also called: DEAFNESS, AUTOSOMAL RECESSIVE 1B. Identifiers: Orphanet 90636, MedGen C2675235, MONDO:0012977, OMIM 612645.
Autosomal recessive nonsyndromic hearing loss 1A (DFNB1A). Also called: GJB2-Related Autosomal Recessive Nonsyndromic Hearing Loss; Deafness, autosomal recessive 1A; GJB6-Related DFNB 1 Nonsyndromic Hearing Loss and Deafness; Nonsyndromic Hearing Loss and Deafness, DFNB1; Connexin 26 deafness; Deafness nonsyndromic, Connexin 26 linked. Identifiers: Orphanet 90636, MedGen C2673759, MONDO:0009076, OMIM 220290.
Hidrotic ectodermal dysplasia syndrome (GJB6). Also called: Ectodermal dysplasia 2, hidrotic; Autosomal dominant hidrotic ectodermal dysplasia; Clouston syndrome; Clouston's hidrotic ectodermal dysplasia; CLOUSTON HIDROTIC ECTODERMAL DYSPLASIA; ECTODERMAL DYSPLASIA 2, CLOUSTON TYPE. Identifiers: Orphanet 189, MedGen C0162361, MONDO:0007510, OMIM 129500.

Submission:

Labcorp Genetics (formerly Invitae), Labcorp
Classification: Uncertain significance for Autosomal dominant nonsyndromic hearing loss 3B; Hidrotic ectodermal dysplasia syndrome; Autosomal recessive nonsyndromic hearing loss 1B; Autosomal recessive nonsyndromic hearing loss 1A. Last evaluated: 2024-04-25. Review status: criteria provided, single submitter. Criteria: Invitae Variant Classification Sherloc (09022015). Collection method: clinical testing. Allele origin: germline.
Comment: This sequence change replaces valine, which is neutral and non-polar, with glycine, which is neutral and non-polar, at codon 190 of the GJB6 protein (p.Val190Gly). This variant is not present in population databases (gnomAD no frequency). This variant has not been reported in the literature in individuals affected with GJB6-related conditions. Advanced modeling of protein sequence and biophysical properties (such as structural, functional, and spatial information, amino acid conservation, physicochemical variation, residue mobility, and thermodynamic stability) performed at Invitae indicates that this missense variant is expected to disrupt GJB6 protein function with a positive predictive value of 80%. In summary, the available evidence is currently insufficient to determine the role of this variant in disease. Therefore, it has been classified as a Variant of Uncertain Significance.